The following is an entry in ClinVar:

ClinVar aggregate classification (germline): Uncertain significance (1 of 4 stars; one submission).

Conditions:
Tuberous sclerosis 2 (TSC2). Identifiers: Orphanet 805, MedGen C1860707, MONDO:0013199, OMIM 613254.

Submission:

Labcorp Genetics (formerly Invitae), Labcorp
Classification: Uncertain significance for Tuberous sclerosis 2. Last evaluated: 2019-09-20. Review status: criteria provided, single submitter. Criteria: Invitae Variant Classification Sherloc (09022015). Collection method: clinical testing. Allele origin: germline.
Comment: In summary, the available evidence is currently insufficient to determine the role of this variant in disease. Therefore, it has been classified as a Variant of Uncertain Significance. Experimental studies and prediction algorithms are not available or were not evaluated for this variant, and the functional significance of this variant is currently unknown. This variant has not been reported in the literature in individuals with TSC2-related conditions. This variant is not present in population databases (ExAC no frequency). This variant, c.2618_2620del, results in the deletion of 1 amino acid(s) of the TSC2 protein (p.Leu873del), but otherwise preserves the integrity of the reading frame.

NM_000548.5(TSC2):c.2618_2620del (p.Leu873del)

Gene: TSC2 (TSC complex subunit 2; plus strand). Cytogenetic location: 16p13.3.
Variant type: Deletion.
Coding change: c.2618_2620del on transcript NM_000548.5 (MANE Select); coding-DNA positions 2618 to 2620, 3 bases deleted (TGC; older notation c.2618_2620delTGC).
Protein change: p.Leu873del; deletes leucine 873.
Molecular consequence: inframe deletion.
Genome position (GRCh38, 1-based): chr16:2,075,871-2,075,873, TGC deleted; deleting any 3 consecutive bases within chr16:2,075,870-2,075,873 gives the same sequence; the c. name uses the placement nearest the transcript's 3' end. VCF-style (leftmost placement, unchanged base first): chr16-2075869-CCTG-C. GRCh37 (hg19) VCF-style: chr16-2125870-CCTG-C.
Other names: c.2618_2620del, p.Leu873del (NM_001077183.3, NM_001114382.3, NM_001363528.2 and 3 more transcripts); c.2507_2509del, p.Leu836del (NM_001318827.2); c.2471_2473del, p.Leu824del (NM_001318829.2); c.2018_2020del, p.Leu673del (NM_001318831.2); c.2651_2653del, p.Leu884del (NM_001318832.2); short protein forms L873del, L884del, L824del, L836del, L673del.
Identifiers: ClinVar variation 943192 (VCV000943192.9), dbSNP rs2089271727, ClinGen allele CA1139664319.